The following is an entry in ClinVar:

ClinVar aggregate classification (germline): Uncertain significance (1 of 4 stars; one submission).

Conditions:
Early-infantile DEE. Also called: Early infantile epileptic encephalopathy with suppression bursts; Early infantile epileptic encephalopathy; Ohtahara syndrome. Identifiers: Orphanet 1934, MedGen C0393706, MONDO:0800491.

Submission:

Labcorp Genetics (formerly Invitae), Labcorp
Classification: Uncertain significance for Early-infantile DEE. Last evaluated: 2025-02-16. Review status: criteria provided, single submitter. Criteria: Invitae Variant Classification Sherloc (09022015). Collection method: clinical testing. Allele origin: germline.
Comment: This sequence change replaces lysine, which is basic and polar, with asparagine, which is neutral and polar, at codon 1517 of the SCN1A protein (p.Lys1517Asn). This variant is not present in population databases (gnomAD no frequency). This variant has not been reported in the literature in individuals affected with SCN1A-related conditions. Invitae Evidence Modeling of protein sequence and biophysical properties (such as structural, functional, and spatial information, amino acid conservation, physicochemical variation, residue mobility, and thermodynamic stability) indicates that this missense variant is expected to disrupt SCN1A protein function with a positive predictive value of 95%. In summary, the available evidence is currently insufficient to determine the role of this variant in disease. Therefore, it has been classified as a Variant of Uncertain Significance.

NM_001165963.4(SCN1A):c.4551A>T (p.Lys1517Asn)

Genes: SCN1A (sodium voltage-gated channel alpha subunit 1; minus strand), LOC102724058 (uncharacterized LOC102724058; plus strand). Cytogenetic location: 2q24.3.
Variant type: single nucleotide variant.
Coding change: c.4551A>T on transcript NM_001165963.4 (MANE Select); coding-DNA position 4551, A replaced by T.
Protein change: p.Lys1517Asn; replaces lysine 1517 with asparagine.
Molecular consequence: missense variant. On other transcripts: non-coding transcript variant (1).
Genome position (GRCh38, 1-based): chr2:165,996,043, T>A on the plus strand (A>T on the coding strand, the complement: SCN1A is on the minus strand). VCF-style: chr2-165996043-T-A. GRCh37 (hg19) VCF-style: chr2-166852553-T-A.
Other names: c.4467A>T, p.Lys1489Asn (NM_001165964.3, NM_001353957.2, NM_001353958.2); c.4551A>T, p.Lys1517Asn (NM_001202435.3, NM_001353948.2); c.4518A>T, p.Lys1506Asn (NM_001353949.2, NM_001353950.2, NM_001353951.2 and 2 more transcripts); c.4515A>T, p.Lys1505Asn (NM_001353954.2, NM_001353955.2); c.4464A>T, p.Lys1488Asn (NM_001353960.2); c.2109A>T, p.Lys703Asn (NM_001353961.2); short protein forms K1488N, K1489N, K1505N, K1506N, K1517N, K703N.
Identifiers: ClinVar variation 4800265 (VCV004800265.1).